The following is an entry in ClinVar:

NM_003001.5(SDHC):c.*84G>A

Gene: SDHC (succinate dehydrogenase complex subunit C; plus strand). Cytogenetic location: 1q23.3.
Variant type: single nucleotide variant.
Coding change: c.*84G>A on transcript NM_003001.5 (MANE Select); 84 bases downstream of the stop codon, G replaced by A.
Molecular consequence: 3 prime UTR variant. On other transcripts: missense variant (3), non-coding transcript variant (1).
Genome position (GRCh38, 1-based): chr1:161,362,517, G>A. VCF-style: chr1-161362517-G-A. GRCh37 (hg19) VCF-style: chr1-161332307-G-A.
Other names: c.430G>A, p.Glu144Lys (NM_001035511.3); c.*84G>A (NM_001035512.3, NM_001035513.3, NM_001407115.1 and 5 more transcripts); c.328G>A, p.Glu110Lys (NM_001278172.3); c.373G>A, p.Glu125Lys (NM_001407121.1); short protein forms E125K, E144K, E110K.
Identifiers: ClinVar variation 5029348 (VCV005029348.1).

ClinVar aggregate classification (germline): Uncertain significance (1 of 4 stars; one submission).

Conditions:
Hereditary cancer-predisposing syndrome. Also called: Neoplastic Syndromes, Hereditary; Tumor predisposition; Hereditary neoplastic syndrome; Hereditary Cancer Syndrome. Identifiers: Orphanet 140162, MedGen C0027672, MeSH D009386, MONDO:0015356.

Submission:

Ambry Genetics
Classification: Uncertain significance for Hereditary cancer-predisposing syndrome. Last evaluated: 2026-07-07. Review status: criteria provided, single submitter. Criteria: Ambry Variant Classification Scheme 2023. Collection method: clinical testing. Allele origin: germline.
Comment: The p.E144K variant (also known as c.430G>A), located in coding exon 5 of the SDHC gene, results from a G to A substitution at nucleotide position 430. The glutamic acid at codon 144 is replaced by lysine, an amino acid with similar properties. This amino acid position is conserved. In addition, this alteration is predicted to be tolerated by in silico analysis. Based on the available evidence, the clinical significance of this variant remains unclear.